The following is an entry in ClinVar:

NM_007194.4(CHEK2):c.621T>A (p.Asp207Glu)

Gene: CHEK2 (checkpoint kinase 2; minus strand). Cytogenetic location: 22q12.1.
Variant type: single nucleotide variant.
Coding change: c.621T>A on transcript NM_007194.4 (MANE Select); coding-DNA position 621, T replaced by A.
Protein change: p.Asp207Glu; replaces aspartic acid 207 with glutamic acid.
Molecular consequence: missense variant. On other transcripts: 5 prime UTR variant (2), intron variant (1).
Genome position (GRCh38, 1-based): chr22:28,719,457, A>T on the plus strand (T>A on the coding strand, the complement: CHEK2 is on the minus strand). VCF-style: chr22-28719457-A-T. GRCh37 (hg19) VCF-style: chr22-29115445-A-T.
Other names: c.750T>A, p.Asp250Glu (NM_001005735.3, NM_001438294.1); c.-43T>A (NM_001257387.3, NM_001437942.1); c.714T>A, p.Asp238Glu (NM_001438293.1, NM_001438295.1); c.621T>A, p.Asp207Glu (NM_145862.3); c.482+5429T>A (NM_001349956.3); short protein forms D207E, D250E, D238E.
Identifiers: ClinVar variation 483363 (VCV000483363.5), dbSNP rs1555924486, ClinGen allele CA411105092.
Genomic context (GRCh38, chr22:28,719,457, plus strand): 5'-TCCAAGAGTTTTTGACATGATGTATTCATCTCTTAATGCCTTAGGATAAACTGACTGATC[A>T]TCTACAGTCAGATCAAAAAAGACAAAAACTAAGGAAGAAAAGAGTAGAAATGGGTTTCAT-3'
Protein context (NP_009125.1, residues 197-217): KVFVFFDLTV[Asp207Glu]DQSVYPKALR

ClinVar aggregate classification (germline): Uncertain significance (1 of 4 stars; one submission).

Conditions:
Hereditary cancer-predisposing syndrome. Also called: Neoplastic Syndromes, Hereditary; Tumor predisposition; Hereditary Cancer Syndrome; Hereditary neoplastic syndrome. Identifiers: Orphanet 140162, MedGen C0027672, MeSH D009386, MONDO:0015356.

Submission:

Ambry Genetics
Classification: Uncertain significance for Hereditary cancer-predisposing syndrome. Last evaluated: 2019-12-03. Review status: criteria provided, single submitter. Criteria: Ambry Variant Classification Scheme 2023. Collection method: clinical testing. Allele origin: germline.
Comment: The p.D207E variant (also known as c.621T>A), located in coding exon 4 of the CHEK2 gene, results from a T to A substitution at nucleotide position 621. The aspartic acid at codon 207 is replaced by glutamic acid, an amino acid with highly similar properties. This amino acid position is highly conserved in available vertebrate species. In addition, the in silico prediction for this alteration is inconclusive. Since supporting evidence is limited at this time, the clinical significance of this alteration remains unclear.